The following is an entry in ClinVar:

NM_021076.4(NEFH):c.509A>T (p.Glu170Val)

Gene: NEFH (neurofilament heavy chain; plus strand). Cytogenetic location: 22q12.2.
Variant type: single nucleotide variant.
Coding change: c.509A>T on transcript NM_021076.4 (MANE Select); coding-DNA position 509, A replaced by T.
Protein change: p.Glu170Val; replaces glutamic acid 170 with valine.
Molecular consequence: missense variant.
Genome position (GRCh38, 1-based): chr22:29,480,771, A>T. VCF-style: chr22-29480771-A-T. GRCh37 (hg19) VCF-style: chr22-29876760-A-T.
Other names: short protein forms E170V.
Identifiers: ClinVar variation 5008667 (VCV005008667.1).

ClinVar aggregate classification (germline): Uncertain significance (1 of 4 stars; one submission).

Submission:

GeneDx
Classification: Uncertain significance. Last evaluated: 2026-03-06. Review status: criteria provided, single submitter. Criteria: GeneDx Variant Classification Process June 2021. Collection method: clinical testing. Allele origin: germline.
Comment: Not observed at significant frequency in large population cohorts (gnomAD); In silico analysis supports that this missense variant has a deleterious effect on protein structure/function; Has not been previously published as pathogenic or benign to our knowledge